The following is an entry in ClinVar:

NM_006180.6(NTRK2):c.1633+4380C>T

Gene: NTRK2 (neurotrophic receptor tyrosine kinase 2; plus strand). Cytogenetic location: 9q21.33.
Variant type: single nucleotide variant.
Coding change: c.1633+4380C>T on transcript NM_006180.6 (MANE Select); 4380 bases into the intron after coding-DNA position 1633, C replaced by T.
Molecular consequence: intron variant. On other transcripts: synonymous variant (4).
Genome position (GRCh38, 1-based): chr9:84,871,811, C>T. VCF-style: chr9-84871811-C-T. GRCh37 (hg19) VCF-style: chr9-87486726-C-T.
Other names: c.1656C>T, p.Thr552= (NM_001018065.2, NM_001369537.1); c.1608C>T, p.Thr536= (NM_001018066.3, NM_001369538.1); c.1585+4380C>T (NM_001369532.1, NM_001369533.1, NM_001018064.3); c.1549+4380C>T (NM_001369534.1); c.1165+4380C>T (NM_001369536.1); c.1117+4380C>T (NM_001369535.1).
Identifiers: ClinVar variation 3356085 (VCV003356085.1).

ClinVar aggregate classification (germline): Likely benign (0 of 4 stars; one submission).

Conditions:
NTRK2-related disorder. Also called: NTRK2-related condition.

gnomAD v4.1: 24 of 1,613,554 alleles (0.0015%); highest among the groups gnomAD compares: Non-Finnish European, 0.0017%; no homozygotes.

Submission:

PreventionGenetics, part of Exact Sciences
Classification: Likely benign for NTRK2-related condition. Last evaluated: 2022-11-07. Review status: no assertion criteria provided. Collection method: clinical testing. Allele origin: germline.
Comment: This variant is classified as likely benign based on ACMG/AMP sequence variant interpretation guidelines (Richards et al. 2015 PMID: 25741868, with internal and published modifications).